The following is an entry in ClinVar:

NM_183050.4(BCKDHB):c.17C>T (p.Ala6Val)

Gene: BCKDHB (branched chain keto acid dehydrogenase E1 subunit beta; plus strand). Cytogenetic location: 6q14.1.
Variant type: single nucleotide variant.
Coding change: c.17C>T on transcript NM_183050.4 (MANE Select); coding-DNA position 17, C replaced by T.
Protein change: p.Ala6Val; replaces alanine 6 with valine.
Molecular consequence: missense variant. On other transcripts: non-coding transcript variant (1), intron variant (1).
Genome position (GRCh38, 1-based): chr6:80,106,710, C>T. VCF-style: chr6-80106710-C-T. GRCh37 (hg19) VCF-style: chr6-80816427-C-T.
Other names: c.17C>T, p.Ala6Val (NM_000056.5); c.-15+27C>T (NM_001318975.1); c.17C>T (NM_183050.3); short protein forms A6V.
Identifiers: ClinVar variation 771663 (VCV000771663.22), dbSNP rs534975518, ClinGen allele CA3902471.

ClinVar aggregate classification (germline): Likely benign. Review status: criteria provided, multiple submitters, no conflicts (2 of 4 stars). 5 submissions from 5 submitters: Likely benign (3). 2 of the submissions do not count toward it. Last evaluated 2026-02-02.

Conditions:
BCKDHB-related disorder. Also called: BCKDHB-related condition.
Maple syrup urine disease type 1B (MSUD1B). Also called: MSUD type IB; MSUD type 3 (formerly); MSUD due to deficiency of e1-beta subunit of branched-chain alpha-keto acid dehydrogenase complex. Identifiers: MedGen C2930990, MONDO:0023692, OMIM 620698.
Maple syrup urine disease (MSUD). Identifiers: Orphanet 511, MedGen C0024776, MeSH D008375, MONDO:0009563. Disease mechanism: loss of function.

Allele frequency attached by ClinVar (database versions not stated): gnomAD 0.00001 and 0.00010; gnomAD exomes 0.00055; 1000 Genomes Project 30x 0.00062; 1000 Genomes Project 0.00080; ExAC 0.00191.

Submissions (5):

Labcorp Genetics (formerly Invitae), Labcorp
Classification: Likely benign for Maple syrup urine disease. Last evaluated: 2026-02-02. Review status: criteria provided, single submitter. Criteria: Invitae Variant Classification Sherloc (09022015). Collection method: clinical testing. Allele origin: germline.

CeGaT Center for Human Genetics Tuebingen
Classification: Likely benign. Last evaluated: 2025-09-01. Review status: criteria provided, single submitter. Criteria: CeGaT Center For Human Genetics Tuebingen Variant Classification Criteria Version 2. Collection method: clinical testing. Allele origin: germline. Affected: yes. Observed: 1 variant allele.
Comment: BCKDHB: BS2

GeneDx
Classification: Likely benign. Last evaluated: 2020-10-13. Review status: criteria provided, single submitter. Criteria: GeneDx Variant Classification Process June 2021. Collection method: clinical testing. Allele origin: germline. Affected: yes.

PreventionGenetics, part of Exact Sciences
Classification: Likely benign for BCKDHB-related condition. Last evaluated: 2023-11-13. Review status: no assertion criteria provided. Collection method: clinical testing. Allele origin: germline. Not counted in ClinVar's aggregate classification.
Comment: This variant is classified as likely benign based on ACMG/AMP sequence variant interpretation guidelines (Richards et al. 2015 PMID: 25741868, with internal and published modifications).

Natera, Inc.
Classification: Benign for Maple syrup urine disease type 1B. Last evaluated: 2020-04-13. Review status: no assertion criteria provided. Collection method: clinical testing. Allele origin: germline. Not counted in ClinVar's aggregate classification.